The following is an entry in ClinVar:

NM_182914.3(SYNE2):c.15031A>G (p.Ile5011Val)

Gene: SYNE2 (spectrin repeat containing nuclear envelope protein 2; plus strand). Cytogenetic location: 14q23.2.
Variant type: single nucleotide variant.
Coding change: c.15031A>G on transcript NM_182914.3 (MANE Select); coding-DNA position 15031, A replaced by G.
Protein change: p.Ile5011Val; replaces isoleucine 5011 with valine.
Molecular consequence: missense variant.
Genome position (GRCh38, 1-based): chr14:64,141,395, A>G. VCF-style: chr14-64141395-A-G. GRCh37 (hg19) VCF-style: chr14-64608113-A-G.
Other names: c.15031A>G, p.Ile5011Val (NM_015180.6); short protein forms I5011V.
Identifiers: ClinVar variation 470938 (VCV000470938.17), dbSNP rs201269146, ClinGen allele CA7222963.
Genomic context (GRCh38, chr14:64,141,395, plus strand): 5'-CTTTAGGAGTTTTCAAAAGAAGTTGATGAAAAATCCTCCTTGAAGACTGCCGTTATCAGT[A>G]TCGGGAACCAGCTTCTTCACCTGAAAGAAACTGATACAGCTACACTGAGAGCTTCTTTAG-3'
Protein context (NP_878918.2, residues 5001-5021): KSSLKTAVIS[Ile5011Val]GNQLLHLKET

ClinVar aggregate classification (germline): Conflicting classifications of pathogenicity. Review status: criteria provided, conflicting classifications (1 of 4 stars). 4 submissions from 4 submitters: Uncertain significance (3); Likely benign (1). Last evaluated 2025-10-27.

Conditions:
Emery-Dreifuss muscular dystrophy 5, autosomal dominant (EDMD5). Also called: EMERY-DREIFUSS MUSCULAR DYSTROPHY 5. Identifiers: Orphanet 261, MedGen C2751805, MONDO:0013072, OMIM 612999.

Allele frequency attached by ClinVar (database versions not stated): ESP Exome Variant Server 0.00008; gnomAD 0.00011; gnomAD exomes 0.00011 and 0.00021; TOPMed 0.00015; ExAC 0.00016.
gnomAD v4.1: 311 of 1,614,008 alleles (0.019%); highest among the groups gnomAD compares: Non-Finnish European, 0.025%; no homozygotes.

Submissions (4):

Labcorp Genetics (formerly Invitae), Labcorp
Classification: Uncertain significance for Emery-Dreifuss muscular dystrophy 5, autosomal dominant. Last evaluated: 2025-10-27. Review status: criteria provided, single submitter. Criteria: Invitae Variant Classification Sherloc (09022015). Collection method: clinical testing. Allele origin: germline.
Comment: This sequence change replaces isoleucine, which is neutral and non-polar, with valine, which is neutral and non-polar, at codon 5011 of the SYNE2 protein (p.Ile5011Val). This variant is present in population databases (rs201269146, gnomAD 0.02%). This variant has not been reported in the literature in individuals affected with SYNE2-related conditions. ClinVar contains an entry for this variant (Variation ID: 470938). An algorithm developed to predict the effect of missense changes on protein structure and function (PolyPhen-2) suggests that this variant is likely to be tolerated. In summary, the available evidence is currently insufficient to determine the role of this variant in disease. Therefore, it has been classified as a Variant of Uncertain Significance.

Revvity Omics, Revvity
Classification: Likely benign for Emery-Dreifuss muscular dystrophy 5, autosomal dominant. Last evaluated: 2023-06-27. Review status: criteria provided, single submitter. Criteria: ACMG Guidelines, 2015. Collection method: clinical testing. Allele origin: germline.

Athena Diagnostics
Classification: Uncertain significance. Last evaluated: 2018-12-26. Review status: criteria provided, single submitter. Criteria: Athena Diagnostics Criteria. Collection method: clinical testing. Allele origin: germline.

Illumina Laboratory Services, Illumina
Classification: Uncertain significance for Emery-Dreifuss muscular dystrophy 5, autosomal dominant. Last evaluated: 2018-01-15. Review status: criteria provided, single submitter. Criteria: ICSL Variant Classification Criteria 13 December 2019. Collection method: clinical testing. Allele origin: germline.